The following is an entry in ClinVar:

NM_004586.3(RPS6KA3):c.1151G>T (p.Gly384Val)

Gene: RPS6KA3 (ribosomal protein S6 kinase A3; minus strand). Cytogenetic location: Xp22.12.
Variant type: single nucleotide variant.
Coding change: c.1151G>T on transcript NM_004586.3 (MANE Select); coding-DNA position 1151, G replaced by T.
Protein change: p.Gly384Val; replaces glycine 384 with valine.
Molecular consequence: missense variant.
Genome position (GRCh38, 1-based): chrX:20,175,240, C>A on the plus strand (G>T on the coding strand, the complement: RPS6KA3 is on the minus strand). VCF-style: chrX-20175240-C-A. GRCh37 (hg19) VCF-style: chrX-20193358-C-A.
Other names: short protein forms G384V.
Identifiers: ClinVar variation 971974 (VCV000971974.10), dbSNP rs2067670297, ClinGen allele CA412516942.

ClinVar aggregate classification (germline): Uncertain significance (1 of 4 stars; one submission).

Conditions:
Intellectual developmental disorder, X-linked 19. Also called: Intellectual disability, X-linked 19. Identifiers: Orphanet 777, MedGen C0796225, MONDO:0010447, OMIM 300844.
Coffin-Lowry syndrome (CLS). Also called: COFFIN-LOWRY SYNDROME, MILD; Mental retardation with osteocartilaginous abnormalities. Identifiers: Orphanet 192, MedGen C0265252, MONDO:0010561, OMIM 303600.

Submission:

Labcorp Genetics (formerly Invitae), Labcorp
Classification: Uncertain significance for Coffin-Lowry syndrome; Intellectual developmental disorder, X-linked 19. Last evaluated: 2019-10-31. Review status: criteria provided, single submitter. Criteria: Invitae Variant Classification Sherloc (09022015). Collection method: clinical testing. Allele origin: germline.
Comment: This sequence change replaces glycine with valine at codon 384 of the RPS6KA3 protein (p.Gly384Val). The glycine residue is highly conserved and there is a moderate physicochemical difference between glycine and valine. This variant is not present in population databases (ExAC no frequency). This variant has not been reported in the literature in individuals with RPS6KA3-related conditions. Algorithms developed to predict the effect of missense changes on protein structure and function (SIFT, PolyPhen-2, Align-GVGD) all suggest that this variant is likely to be disruptive, but these predictions have not been confirmed by published functional studies and their clinical significance is uncertain. In summary, the available evidence is currently insufficient to determine the role of this variant in disease. Therefore, it has been classified as a Variant of Uncertain Significance.